The following is an entry in ClinVar:

ClinVar aggregate classification (germline): Uncertain significance (1 of 4 stars; one submission).

Submission:

GeneDx
Classification: Uncertain significance. Last evaluated: 2022-05-20. Review status: criteria provided, single submitter. Criteria: GeneDx Variant Classification Process June 2021. Collection method: clinical testing. Allele origin: germline. Affected: yes.
Comment: Not observed at significant frequency in large population cohorts (gnomAD); In-frame deletion of 5 amino acids in a non-repeat region; In silico analysis supports a deleterious effect on protein structure/function; Has not been previously published as pathogenic or benign to our knowledge

NM_019842.4(KCNQ5):c.224_238del (p.Leu75_Arg79del)

Genes: KCNQ5 (potassium voltage-gated channel subfamily Q member 5; plus strand), KCNQ5-DT (KCNQ5 divergent transcript; minus strand). Cytogenetic location: 6q13.
Variant type: Deletion.
Coding change: c.224_238del on transcript NM_019842.4 (MANE Select); coding-DNA positions 224 to 238, 15 bases deleted (TGAGGGAGAGCCGCC).
Protein change: p.Leu75_Arg79del.
Molecular consequence: inframe deletion.
Genome position (GRCh38, 1-based): chr6:72,622,413-72,622,427, TGAGGGAGAGCCGCC deleted; deleting any 15 consecutive bases within chr6:72,622,410-72,622,427 gives the same sequence; the c. name uses the placement nearest the transcript's 3' end. VCF-style (leftmost placement, unchanged base first): chr6-72622409-GGCCTGAGGGAGAGCC-G. GRCh37 (hg19) VCF-style: chr6-73332137-GGCCTGAGGGAGAGCC-G.
Other names: c.224_238del, p.Leu75_Arg79del (NM_001160130.2, NM_001160132.2, NM_001160133.2 and 1 more transcripts).
Identifiers: ClinVar variation 1800668 (VCV001800668.1), dbSNP rs2098915760, ClinGen allele CA1637784581.
Genomic context (GRCh38, chr6:72,622,409, plus strand): 5'-AGGGGCGACGGCCTGCTACTGCTGGGCACCCGCGCGGCCACGCTCGGTGGCGGCGGCGGT[GGCCTGAGGGAGAGCC>G]GCCGGGGCAAGCAGGGGGCCCGGATGAGCCTGCTGGGGAAGCCGCTCTCTTACACGAGTA-3'